The following is an entry in ClinVar:

NM_198271.5(LMOD3):c.465T>C (p.Asp155=)

Gene: LMOD3 (leiomodin 3; minus strand). Cytogenetic location: 3p14.1.
Variant type: single nucleotide variant.
Coding change: c.465T>C on transcript NM_198271.5 (MANE Select); coding-DNA position 465, T replaced by C.
Protein change: p.Asp155=; no amino-acid change (aspartic acid 155 retained).
Molecular consequence: synonymous variant.
Genome position (GRCh38, 1-based): chr3:69,119,890, A>G on the plus strand (T>C on the coding strand, the complement: LMOD3 is on the minus strand). VCF-style: chr3-69119890-A-G. GRCh37 (hg19) VCF-style: chr3-69169041-A-G.
Other names: c.465T>C, p.Asp155= (NM_001304418.3); c.465T>C (NM_198271.4).
Identifiers: ClinVar variation 1959624 (VCV001959624.7), dbSNP rs2092399175, ClinGen allele CA434154686.

ClinVar aggregate classification (germline): Likely benign. Review status: criteria provided, single submitter (1 of 4 stars). 2 submissions from 2 submitters: Likely benign (1). 1 of the submissions does not count toward it. Last evaluated 2024-02-23.

Conditions:
Nemaline myopathy 10 (NEM10). Identifiers: MedGen C4015360, MONDO:0014513, OMIM 616165.
LMOD3-related disorder. Also called: LMOD3-related condition.

Allele frequency attached by ClinVar (database versions not stated): gnomAD exomes below 0.00001.
gnomAD v4.1: 3 of 1,513,156 alleles (0.0002%); highest among the groups gnomAD compares: East Asian, 0.0024%; no homozygotes.

Submissions (2):

Labcorp Genetics (formerly Invitae), Labcorp
Classification: Likely benign for Nemaline myopathy 10. Last evaluated: 2024-02-23. Review status: criteria provided, single submitter. Criteria: Invitae Variant Classification Sherloc (09022015). Collection method: clinical testing. Allele origin: germline.

PreventionGenetics, part of Exact Sciences
Classification: Likely benign for LMOD3-related condition. Last evaluated: 2024-01-11. Review status: no assertion criteria provided. Collection method: clinical testing. Allele origin: germline. Not counted in ClinVar's aggregate classification.
Comment: This variant is classified as likely benign based on ACMG/AMP sequence variant interpretation guidelines (Richards et al. 2015 PMID: 25741868, with internal and published modifications).